The following is an entry in ClinVar:

NM_001303256.3(MORC2):c.1028G>T (p.Arg343Leu)

Gene: MORC2 (MORC family CW-type zinc finger 2; minus strand). Cytogenetic location: 22q12.2.
Variant type: single nucleotide variant.
Coding change: c.1028G>T on transcript NM_001303256.3 (MANE Select); coding-DNA position 1028, G replaced by T.
Protein change: p.Arg343Leu; replaces arginine 343 with leucine.
Molecular consequence: missense variant.
Genome position (GRCh38, 1-based): chr22:30,939,666, C>A on the plus strand (G>T on the coding strand, the complement: MORC2 is on the minus strand). VCF-style: chr22-30939666-C-A. GRCh37 (hg19) VCF-style: chr22-31335653-C-A.
Other names: c.1028G>T, p.Arg343Leu (NM_001303257.2); c.842G>T, p.Arg281Leu (NM_014941.3); short protein forms R343L, R281L.
Identifiers: ClinVar variation 2075040 (VCV002075040.4), dbSNP rs753651729, ClinGen allele CA411239818.

ClinVar aggregate classification (germline): Uncertain significance (1 of 4 stars; one submission).

Conditions:
Charcot-Marie-Tooth disease axonal type 2Z. Also called: CHARCOT-MARIE-TOOTH DISEASE, AXONAL, AUTOSOMAL DOMINANT, TYPE 2Z; CHARCOT-MARIE-TOOTH NEUROPATHY, TYPE 2Z. Identifiers: Orphanet 466768, MedGen C5569025, MONDO:0014736, OMIM 616688.

Allele frequency attached by ClinVar (database versions not stated): gnomAD 0.00001.
gnomAD v4.1: 4 of 1,613,996 alleles (0.00025%); highest among the groups gnomAD compares: Non-Finnish European, 0.00034%; no homozygotes.

Submission:

Labcorp Genetics (formerly Invitae), Labcorp
Classification: Uncertain significance for Charcot-Marie-Tooth disease axonal type 2Z. Last evaluated: 2024-10-15. Review status: criteria provided, single submitter. Criteria: Invitae Variant Classification Sherloc (09022015). Collection method: clinical testing. Allele origin: germline.
Comment: This sequence change replaces arginine, which is basic and polar, with leucine, which is neutral and non-polar, at codon 343 of the MORC2 protein (p.Arg343Leu). This variant is present in population databases (no rsID available, gnomAD 0.007%). This variant has not been reported in the literature in individuals affected with MORC2-related conditions. ClinVar contains an entry for this variant (Variation ID: 2075040). Invitae Evidence Modeling of protein sequence and biophysical properties (such as structural, functional, and spatial information, amino acid conservation, physicochemical variation, residue mobility, and thermodynamic stability) indicates that this missense variant is expected to disrupt MORC2 protein function with a positive predictive value of 80%. In summary, the available evidence is currently insufficient to determine the role of this variant in disease. Therefore, it has been classified as a Variant of Uncertain Significance.